The following is an entry in ClinVar:

ClinVar aggregate classification (germline): Uncertain significance. Review status: criteria provided, multiple submitters, no conflicts (2 of 4 stars). 2 submissions from 2 submitters: Uncertain significance (2). Last evaluated 2024-04-07.

Conditions:
Hereditary cancer-predisposing syndrome. Also called: Neoplastic Syndromes, Hereditary; Hereditary Cancer Syndrome; Tumor predisposition; Hereditary neoplastic syndrome. Identifiers: Orphanet 140162, MedGen C0027672, MeSH D009386, MONDO:0015356.

Allele frequency attached by ClinVar (database versions not stated): gnomAD exomes below 0.00001.
gnomAD v4.1: 2 of 1,614,226 alleles (0.00012%); highest among the groups gnomAD compares: East Asian, 0.0022%; no homozygotes.

Submissions (2):

Labcorp Genetics (formerly Invitae), Labcorp
Classification: Uncertain significance. Last evaluated: 2024-04-07. Review status: criteria provided, single submitter. Criteria: Invitae Variant Classification Sherloc (09022015). Collection method: clinical testing. Allele origin: germline.
Comment: This sequence change replaces methionine, which is neutral and non-polar, with valine, which is neutral and non-polar, at codon 328 of the FH protein (p.Met328Val). This variant is present in population databases (rs146816517, gnomAD 0.006%). This variant has not been reported in the literature in individuals affected with FH-related conditions. ClinVar contains an entry for this variant (Variation ID: 1377132). Advanced modeling of protein sequence and biophysical properties (such as structural, functional, and spatial information, amino acid conservation, physicochemical variation, residue mobility, and thermodynamic stability) performed at Invitae indicates that this missense variant is not expected to disrupt FH protein function with a negative predictive value of 95%. In summary, the available evidence is currently insufficient to determine the role of this variant in disease. Therefore, it has been classified as a Variant of Uncertain Significance.

Ambry Genetics
Classification: Uncertain significance for Hereditary cancer-predisposing syndrome. Last evaluated: 2023-12-14. Review status: criteria provided, single submitter. Criteria: Ambry Variant Classification Scheme 2023. Collection method: clinical testing. Allele origin: germline.
Comment: The p.M328V variant (also known as c.982A>G), located in coding exon 7 of the FH gene, results from an A to G substitution at nucleotide position 982. The methionine at codon 328 is replaced by valine, an amino acid with highly similar properties. This amino acid position is not well conserved in available vertebrate species. In addition, this alteration is predicted to be deleterious by in silico analysis. Since supporting evidence is limited at this time, the clinical significance of this alteration remains unclear.

NM_000143.4(FH):c.982A>G (p.Met328Val)

Gene: FH (fumarate hydratase; minus strand). Cytogenetic location: 1q43.
Variant type: single nucleotide variant.
Coding change: c.982A>G on transcript NM_000143.4 (MANE Select); coding-DNA position 982, A replaced by G.
Protein change: p.Met328Val; replaces methionine 328 with valine.
Molecular consequence: missense variant.
Genome position (GRCh38, 1-based): chr1:241,504,168, T>C on the plus strand (A>G on the coding strand, the complement: FH is on the minus strand). VCF-style: chr1-241504168-T-C. GRCh37 (hg19) VCF-style: chr1-241667468-T-C.
Other names: c.982A>G (NM_000143.3); short protein forms M328V.
Identifiers: ClinVar variation 1377132 (VCV001377132.7), dbSNP rs146816517, ClinGen allele CA1478563.